The following is an entry in ClinVar:

ClinVar aggregate classification (germline): Uncertain significance (1 of 4 stars; one submission).

Conditions:
Cataract 14 multiple types. Also called: CATARACT 14, ZONULAR PULVERULENT; CATARACT 14, NUCLEAR PULVERULENT; CATARACT 14, NUCLEAR PULVERULENT AND POSTERIOR POLAR; CATARACT 14, NUCLEAR CORALLIFORM; CATARACT 14, EMBRYONAL NUCLEAR; CATARACT 14, COPPOCK-LIKE. Identifiers: Orphanet 91492, MedGen C1866078, MONDO:0011162, OMIM 601885.

Submission:

Labcorp Genetics (formerly Invitae), Labcorp
Classification: Uncertain significance for Cataract 14 multiple types. Last evaluated: 2023-10-24. Review status: criteria provided, single submitter. Criteria: Invitae Variant Classification Sherloc (09022015). Collection method: clinical testing. Allele origin: germline.
Comment: This sequence change replaces phenylalanine, which is neutral and non-polar, with leucine, which is neutral and non-polar, at codon 206 of the GJA3 protein (p.Phe206Leu). This variant is not present in population databases (gnomAD no frequency). This missense change has been observed in individual(s) with congenital cataract (Invitae). Advanced modeling of protein sequence and biophysical properties (such as structural, functional, and spatial information, amino acid conservation, physicochemical variation, residue mobility, and thermodynamic stability) performed at Invitae indicates that this missense variant is expected to disrupt GJA3 protein function with a positive predictive value of 80%. This variant disrupts the p.Phe206 amino acid residue in GJA3. Other variant(s) that disrupt this residue have been determined to be pathogenic (PMID: 22550389). This suggests that this residue is clinically significant, and that variants that disrupt this residue are likely to be disease-causing. In summary, the available evidence is currently insufficient to determine the role of this variant in disease. Therefore, it has been classified as a Variant of Uncertain Significance.

Literature cited by the submitters: PubMed 22550389.

NM_021954.4(GJA3):c.618C>G (p.Phe206Leu)

Gene: GJA3 (gap junction protein alpha 3; minus strand). Cytogenetic location: 13q12.11.
Variant type: single nucleotide variant.
Coding change: c.618C>G on transcript NM_021954.4 (MANE Select); coding-DNA position 618, C replaced by G.
Protein change: p.Phe206Leu; replaces phenylalanine 206 with leucine.
Molecular consequence: missense variant.
Genome position (GRCh38, 1-based): chr13:20,142,671, G>C on the plus strand (C>G on the coding strand, the complement: GJA3 is on the minus strand). VCF-style: chr13-20142671-G-C. GRCh37 (hg19) VCF-style: chr13-20716810-G-C.
Other names: short protein forms F206L.
Identifiers: ClinVar variation 2745915 (VCV002745915.3), dbSNP rs2500171295, ClinGen allele CA387464434.
Genomic context (GRCh38, chr13:20,142,671, plus strand): 5'-GCCCAGGTGGTAGATCTCCAGCATGTTGAGCAGCAGGGACGCGCAGGCCACCGCCAGCAT[G>C]AAGATGATGAAGATGGTCTTCTCCGTGGGCCTGGAGATGAAGCAGTCCACCGTGTTGGGG-3'
Protein context (NP_068773.2, residues 196-216): RPTEKTIFII[Phe206Leu]MLAVACASLL